The following is an entry in ClinVar:

NM_152564.5(VPS13B):c.6638T>G (p.Leu2213Ter)

Gene: VPS13B (vacuolar protein sorting 13 homolog B; plus strand). Cytogenetic location: 8q22.2.
Variant type: single nucleotide variant.
Coding change: c.6638T>G on transcript NM_152564.5 (MANE Select); coding-DNA position 6638, T replaced by G.
Protein change: p.Leu2213Ter; replaces leucine 2213 with a stop codon.
Molecular consequence: nonsense.
Genome position (GRCh38, 1-based): chr8:99,717,354, T>G. VCF-style: chr8-99717354-T-G. GRCh37 (hg19) VCF-style: chr8-100729582-T-G.
Other names: c.6713T>G, p.Leu2238Ter (NM_017890.5); short protein forms L2213*, L2238*.
Identifiers: ClinVar variation 5012549 (VCV005012549.1).
Genomic context (GRCh38, chr8:99,717,354, plus strand): 5'-GGTGTAAACACAGCGGGAATCCAGGCCCAGAACAATCCATACCAAAAATATCCATTGACT[T>G]AAGAGGAGGTCTACTACAGGTCTGTGGGTATTGGCCATATTTTTTTCATAGGTTATTAAC-3'

ClinVar aggregate classification (germline): Pathogenic (1 of 4 stars; one submission).

Conditions:
Cohen syndrome (COH1). Also called: PEPPER SYNDROME; Cutis verticis gyrata, retinitis pigmentosa, and sensorineural deafness. Identifiers: Orphanet 193, MedGen C0265223, MONDO:0008999, OMIM 216550.

Submission:

Myriad Genetics, Inc.
Classification: Pathogenic for Cohen syndrome. Last evaluated: 2023-12-08. Review status: criteria provided, single submitter. Criteria: Myriad Autosomal Dominant, Autosomal Recessive and X-Linked Classification Criteria (2023). Collection method: clinical testing. Allele origin: unknown.
Comment: NM_017890.4(VPS13B):c.6713T>G(L2238*) is expected to be pathogenic in the context of Cohen syndrome. This variant is predicted to lead to an abnormal or absent protein product due to the creation of a premature termination codon in VPS13B, a gene where loss-of-function variants are known to be pathogenic. Please note: this variant was assessed in the context of healthy population screening.